The following is an entry in ClinVar:

ClinVar aggregate classification (germline): Uncertain significance (1 of 4 stars; one submission).

Conditions:
Hereditary cancer-predisposing syndrome. Also called: Neoplastic Syndromes, Hereditary; Hereditary Cancer Syndrome; Tumor predisposition; Hereditary neoplastic syndrome. Identifiers: Orphanet 140162, MedGen C0027672, MeSH D009386, MONDO:0015356.

gnomAD v4.1: 4 of 1,614,088 alleles (0.00025%); highest among the groups gnomAD compares: South Asian, 0.0011%; no homozygotes.

Submission:

Ambry Genetics
Classification: Uncertain significance for Hereditary cancer-predisposing syndrome. Last evaluated: 2025-02-22. Review status: criteria provided, single submitter. Criteria: Ambry Variant Classification Scheme 2023. Collection method: clinical testing. Allele origin: germline.
Comment: The p.V1090L variant (also known as c.3268G>C), located in coding exon 19 of the PTCH1 gene, results from a G to C substitution at nucleotide position 3268. The valine at codon 1090 is replaced by leucine, an amino acid with highly similar properties. This amino acid position is conserved. In addition, this alteration is predicted to be deleterious by in silico analysis. Based on the available evidence, the clinical significance of this variant remains unclear.

NM_000264.5(PTCH1):c.3268G>C (p.Val1090Leu)

Gene: PTCH1 (patched 1; minus strand). Cytogenetic location: 9q22.32.
Variant type: single nucleotide variant.
Coding change: c.3268G>C on transcript NM_000264.5 (MANE Select); coding-DNA position 3268, G replaced by C.
Protein change: p.Val1090Leu; replaces valine 1090 with leucine.
Molecular consequence: missense variant. On other transcripts: non-coding transcript variant (1).
Genome position (GRCh38, 1-based): chr9:95,456,314, C>G on the plus strand (G>C on the coding strand, the complement: PTCH1 is on the minus strand). VCF-style: chr9-95456314-C-G. GRCh37 (hg19) VCF-style: chr9-98218596-C-G.
Other names: c.3070G>C, p.Val1024Leu (NM_001083602.3); c.3265G>C, p.Val1089Leu (NM_001083603.3); c.2815G>C, p.Val939Leu (NM_001083604.3, NM_001083605.3, NM_001083606.3 and 1 more transcripts); c.3112G>C, p.Val1038Leu (NM_001354918.2); short protein forms V1089L, V1090L, V939L, V1038L, V1024L.
Identifiers: ClinVar variation 3784573 (VCV003784573.1).